The following is an entry in ClinVar:

ClinVar aggregate classification (germline): Likely pathogenic (1 of 4 stars; one submission).

Conditions:
Biotinidase deficiency. Also called: BTD deficiency; Late-onset biotin-responsive multiple carboxylase deficiency; Biotin deficiency. Identifiers: Orphanet 79241, MedGen C0220754, MONDO:0009665, OMIM 253260.

Submission:

Natera, Inc.
Classification: Likely pathogenic for Biotinidase deficiency. Last evaluated: 2024-08-28. Review status: criteria provided, single submitter. Criteria: Natera Variant Classification Schema (03/2026). Collection method: clinical testing. Allele origin: germline.
Comment: The c.1284C>A variant in BTD is a nonsense variant predicted to introduce a stop codon at amino acid 428. This variant is expected to result in nonsense mediated decay, truncation, or a dysfunctional protein product. This variant is rare in the general population with a frequency below the threshold expected for the associated phenotype(s). This variant has been observed in one or more individuals affected with the associated recessive disease, as either homozygous or compound heterozygous with a second variant (PMID: 19728141). Given the available evidence, this variant is classified as Likely Pathogenic.

Literature cited by the submitters: PubMed 19728141.

NM_000060.4:c.1284C>A

Variant type: single nucleotide variant.
Other names: c.1284C>A (NM_000060.4).
Identifiers: ClinVar variation 4815950 (VCV004815950.1).